The following is an entry in ClinVar:

ClinVar aggregate classification (germline): Benign. Review status: criteria provided, multiple submitters, no conflicts (2 of 4 stars). 2 submissions from 2 submitters: Benign (2). Last evaluated 2018-06-19.

Allele frequency attached by ClinVar (database versions not stated): gnomAD exomes 0.33352; gnomAD 0.34189 and 0.34661; TOPMed 0.35447; 1000 Genomes Project 30x 0.42192; 1000 Genomes Project 0.42712.
gnomAD v4.1: 261,471 of 775,818 alleles (34%); highest among the groups gnomAD compares: East Asian, 69%; 47,658 homozygotes.

Submissions (2):

GeneDx
Classification: Benign. Last evaluated: 2018-06-19. Review status: criteria provided, single submitter. Criteria: GeneDx Variant Classification (06012015). Collection method: clinical testing. Allele origin: germline. Affected: yes.
Comment: This variant is considered likely benign or benign based on one or more of the following criteria: it is a conservative change, it occurs at a poorly conserved position in the protein, it is predicted to be benign by multiple in silico algorithms, and/or has population frequency not consistent with disease.

Breakthrough Genomics
Classification: Benign. Review status: criteria provided, single submitter. Criteria: ACMG Guidelines, 2015. Collection method: not provided. Allele origin: germline. Inheritance: Autosomal recessive inheritance. Affected: yes.

NM_000512.5(GALNS):c.1003-170T>C

Gene: GALNS (galactosamine (N-acetyl)-6-sulfatase; minus strand). Cytogenetic location: 16q24.3.
Variant type: single nucleotide variant.
Coding change: c.1003-170T>C on transcript NM_000512.5 (MANE Select); 170 bases into the intron before coding-DNA position 1003, T replaced by C.
Molecular consequence: intron variant.
Genome position (GRCh38, 1-based): chr16:88,827,008, A>G on the plus strand (T>C on the coding strand, the complement: GALNS is on the minus strand). VCF-style: chr16-88827008-A-G. GRCh37 (hg19) VCF-style: chr16-88893416-A-G.
Other names: c.448-170T>C (NM_001323543.2); c.1021-170T>C (NM_001323544.2).
Identifiers: ClinVar variation 684028 (VCV000684028.2), dbSNP rs3743546, ClinGen allele CA14305871.